The following is an entry in ClinVar:

NM_016734.3(PAX5):c.1132G>A (p.Gly378Arg)

Gene: PAX5 (paired box 5; minus strand). Cytogenetic location: 9p13.2.
Variant type: single nucleotide variant.
Coding change: c.1132G>A on transcript NM_016734.3 (MANE Select); coding-DNA position 1132, G replaced by A.
Protein change: p.Gly378Arg; replaces glycine 378 with arginine.
Molecular consequence: missense variant. On other transcripts: synonymous variant (2), non-coding transcript variant (2).
Genome position (GRCh38, 1-based): chr9:36,840,604, C>T on the plus strand (G>A on the coding strand, the complement: PAX5 is on the minus strand). VCF-style: chr9-36840604-C-T. GRCh37 (hg19) VCF-style: chr9-36840601-C-T.
Other names: c.1030G>A, p.Gly344Arg (NM_001280547.2); c.1045G>A, p.Gly349Arg (NM_001280548.2); c.900G>A, p.Glu300= (NM_001280549.2); c.813G>A, p.Glu271= (NM_001280550.2); c.619G>A, p.Gly207Arg (NM_001280551.2); c.943G>A, p.Gly315Arg (NM_001280552.2); c.916G>A, p.Gly306Arg (NM_001280553.2); c.1003G>A, p.Gly335Arg (NM_001280554.2); and 2 more; short protein forms G315R, G378R, G207R, G270R, G278R, G306R, G335R, G344R.
Identifiers: ClinVar variation 4131442 (VCV004131442.1).

ClinVar aggregate classification (germline): Uncertain significance (1 of 4 stars; one submission).

Conditions:
Inborn genetic diseases. Identifiers: MedGen C0950123, MeSH D030342.

Submission:

Ambry Genetics
Classification: Uncertain significance for Inborn genetic diseases. Last evaluated: 2025-09-04. Review status: criteria provided, single submitter. Criteria: Ambry Variant Classification Scheme 2023. Collection method: clinical testing. Allele origin: germline.
Comment: The p.G378R variant (also known as c.1132G>A), located in coding exon 10 of the PAX5 gene, results from a G to A substitution at nucleotide position 1132. The glycine at codon 378 is replaced by arginine, an amino acid with dissimilar properties. This amino acid position is conserved. In addition, this alteration is predicted to be deleterious by in silico analysis. Based on the available evidence, the clinical significance of this variant remains unclear.